The following is an entry in ClinVar:

ClinVar aggregate classification (germline): Likely benign (1 of 4 stars; one submission).

Allele frequency attached by ClinVar (database versions not stated): ExAC 0.00108; TOPMed 0.00136; 1000 Genomes Project 0.00140; 1000 Genomes Project 30x 0.00141; gnomAD 0.00153; gnomAD exomes 0.00212; ESP Exome Variant Server 0.00227.
gnomAD v4.1: 3,343 of 1,614,088 alleles (0.21%); highest among the groups gnomAD compares: Non-Finnish European, 0.26%; 6 homozygotes.

Submissions (14):

CeGaT Center for Human Genetics Tuebingen
Classification: Likely benign. Last evaluated: 2022-07-01. Review status: criteria provided, single submitter. Criteria: CeGaT Center For Human Genetics Tuebingen Variant Classification Criteria Version 2. Collection method: clinical testing. Allele origin: germline. Affected: yes. Observed: 1 variant allele.
Comment: LGALS3: BP4, BP7

Dr. Peter K. Rogan Lab, Western University
No classification provided (evidence only). Condition: Clear cell carcinoma of kidney. Review status: no classification provided. Collection method: in vitro. Allele origin: not applicable. Functional consequence: skipped exon, retained intron. Not counted in ClinVar's aggregate classification.

Dr. Peter K. Rogan Lab, Western University
No classification provided (evidence only). Condition: Clear cell carcinoma of kidney. Review status: no classification provided. Collection method: in vitro. Allele origin: not applicable. Functional consequence: skipped exon, retained intron. Not counted in ClinVar's aggregate classification.

Dr. Peter K. Rogan Lab, Western University
No classification provided (evidence only). Condition: Lung cancer. Review status: no classification provided. Collection method: in vitro. Allele origin: not applicable. Functional consequence: skipped exon, retained intron. Not counted in ClinVar's aggregate classification.

Dr. Peter K. Rogan Lab, Western University
No classification provided (evidence only). Condition: Lung cancer. Review status: no classification provided. Collection method: in vitro. Allele origin: not applicable. Functional consequence: skipped exon, retained intron. Not counted in ClinVar's aggregate classification.

Dr. Peter K. Rogan Lab, Western University
No classification provided (evidence only). Condition: Melanoma. Review status: no classification provided. Collection method: in vitro. Allele origin: not applicable. Functional consequence: skipped exon, retained intron. Not counted in ClinVar's aggregate classification.

Dr. Peter K. Rogan Lab, Western University
No classification provided (evidence only). Condition: Melanoma. Review status: no classification provided. Collection method: in vitro. Allele origin: not applicable. Functional consequence: skipped exon, retained intron. Not counted in ClinVar's aggregate classification.

Dr. Peter K. Rogan Lab, Western University
No classification provided (evidence only). Condition: Acute myeloid leukemia. Review status: no classification provided. Collection method: in vitro. Allele origin: not applicable. Functional consequence: retained intron. Not counted in ClinVar's aggregate classification.

Dr. Peter K. Rogan Lab, Western University
No classification provided (evidence only). Condition: Colon adenocarcinoma. Review status: no classification provided. Collection method: in vitro. Allele origin: not applicable. Functional consequence: skipped exon, retained intron. Not counted in ClinVar's aggregate classification.

Dr. Peter K. Rogan Lab, Western University
No classification provided (evidence only). Condition: Thyroid cancer, nonmedullary, 1. Review status: no classification provided. Collection method: in vitro. Allele origin: not applicable. Functional consequence: skipped exon, retained intron. Not counted in ClinVar's aggregate classification.

Dr. Peter K. Rogan Lab, Western University
No classification provided (evidence only). Condition: Uterine corpus endometrial carcinoma. Review status: no classification provided. Collection method: in vitro. Allele origin: not applicable. Functional consequence: skipped exon. Not counted in ClinVar's aggregate classification.

Dr. Peter K. Rogan Lab, Western University
No classification provided (evidence only). Condition: Cervical cancer. Review status: no classification provided. Collection method: in vitro. Allele origin: not applicable. Functional consequence: skipped exon, retained intron. Not counted in ClinVar's aggregate classification.

Dr. Peter K. Rogan Lab, Western University
No classification provided (evidence only). Condition: Uveal melanoma. Review status: no classification provided. Collection method: in vitro. Allele origin: not applicable. Functional consequence: skipped exon. Not counted in ClinVar's aggregate classification.

Dr. Peter K. Rogan Lab, Western University
No classification provided (evidence only). Condition: Malignant tumor of esophagus. Review status: no classification provided. Collection method: in vitro. Allele origin: not applicable. Functional consequence: skipped exon, retained intron. Not counted in ClinVar's aggregate classification.

NM_002306.4(LGALS3):c.18G>A (p.Ser6=)

Gene: LGALS3 (galectin 3; plus strand). Cytogenetic location: 14q22.3.
Variant type: single nucleotide variant.
Coding change: c.18G>A on transcript NM_002306.4 (MANE Select); coding-DNA position 18, G replaced by A.
Protein change: p.Ser6=; no amino-acid change (serine 6 retained).
Molecular consequence: synonymous variant. On other transcripts: non-coding transcript variant (1).
Genome position (GRCh38, 1-based): chr14:55,137,391, G>A. VCF-style: chr14-55137391-G-A. GRCh37 (hg19) VCF-style: chr14-55604109-G-A.
Other names: NC_000014.8:g.55604109G>A; c.60G>A, p.Ser20= (NM_001357678.2).
Identifiers: ClinVar variation 2644251 (VCV002644251.25), dbSNP rs78001930, ClinGen allele CA7195394.
Genomic context (GRCh38, chr14:55,137,391, plus strand): 5'-AAGCTTTTAGGATAAAATGATAATCTTTGTTTCTTTCAGGAAAATGGCAGACAATTTTTC[G>A]GTAAGTGTTTTATGCCTGTTTCTTCCCCTTGATCAGCTCCACATGGTTGAGGGTTGGGGG-3'
Protein context (NP_002297.2, residues 1-16): MADNF[Ser6=]LHDALSGSGN